The following is an entry in ClinVar:

ClinVar aggregate classification (germline): Pathogenic/Likely pathogenic. Review status: criteria provided, multiple submitters, no conflicts (2 of 4 stars). 5 submissions from 5 submitters: Pathogenic (3); Likely pathogenic (2). Last evaluated 2025-04-21.

Conditions:
Hereditary nonpolyposis colorectal neoplasms. Identifiers: MedGen C0009405, MeSH D003123.
Hereditary cancer-predisposing syndrome. Also called: Hereditary Cancer Syndrome; Tumor predisposition; Neoplastic Syndromes, Hereditary; Hereditary neoplastic syndrome. Identifiers: Orphanet 140162, MedGen C0027672, MeSH D009386, MONDO:0015356.
Familial prostate cancer. Also called: Hereditary Prostate Cancer. Identifiers: MedGen C2931456, MONDO:0700275, OMIM 176807.
Lynch syndrome 5 (LYNCH5). Also called: Colorectal cancer, hereditary nonpolyposis, type 5; Hereditary non-polyposis colorectal cancer, type 5. Identifiers: Orphanet 144, MedGen C1833477, MONDO:0013710, OMIM 614350. Disease mechanism: loss of function.

Allele frequency attached by ClinVar (database versions not stated): gnomAD 0.00001; ESP Exome Variant Server 0.00008; TOPMed below 0.00001; ExAC 0.00001; gnomAD exomes 0.00001.

Submissions (5):

Ambry Genetics
Classification: Pathogenic for Hereditary cancer-predisposing syndrome. Last evaluated: 2025-04-21. Review status: criteria provided, single submitter. Criteria: Ambry Variant Classification Scheme 2023. Collection method: clinical testing. Allele origin: germline.
Comment: The c.3514_3515insAA pathogenic mutation, located in coding exon 6 of the MSH6 gene, results from an insertion of two nucleotides at position 3514, causing a translational frameshift with a predicted alternate stop codon (p.R1172Kfs*13). This variant was reported in individual(s) with features consistent with Lynch syndrome (Ambry internal data). This variant is considered to be rare based on population cohorts in the Genome Aggregation Database (gnomAD). This alteration is expected to result in loss of function by premature protein truncation or nonsense-mediated mRNA decay. As such, this alteration is interpreted as a disease-causing mutation.

Labcorp Genetics (formerly Invitae), Labcorp
Classification: Pathogenic for Hereditary nonpolyposis colorectal neoplasms. Last evaluated: 2025-03-09. Review status: criteria provided, single submitter. Criteria: Invitae Variant Classification Sherloc (09022015). Collection method: clinical testing. Allele origin: germline.
Comment: This sequence change creates a premature translational stop signal (p.Arg1172Lysfs*13) in the MSH6 gene. It is expected to result in an absent or disrupted protein product. Loss-of-function variants in MSH6 are known to be pathogenic (PMID: 18269114, 24362816). This variant is not present in population databases (gnomAD no frequency). This variant has not been reported in the literature in individuals affected with MSH6-related conditions. ClinVar contains an entry for this variant (Variation ID: 428320). For these reasons, this variant has been classified as Pathogenic.

Myriad Genetics, Inc.
Classification: Pathogenic for Lynch syndrome 5. Last evaluated: 2023-08-24. Review status: criteria provided, single submitter. Criteria: Myriad Autosomal Dominant, Autosomal Recessive and X-Linked Classification Criteria (2023). Collection method: clinical testing. Allele origin: unknown.
Comment: This variant is considered pathogenic. This variant creates a frameshift predicted to result in premature protein truncation.

Human Genetics Bochum, Ruhr University Bochum
Classification: Likely pathogenic for Lynch syndrome 5. Last evaluated: 2023-02-02. Review status: criteria provided, single submitter. Criteria: ACMG Guidelines, 2015. Collection method: clinical testing. Allele origin: germline. Affected: yes.
Comment: ACMG criteria used to clasify this variant: PVS1, PM2_SUP

Women's Health and Genetics/Laboratory Corporation of America, LabCorp
Classification: Likely pathogenic for Familial prostate cancer. Last evaluated: 2022-12-12. Review status: criteria provided, single submitter. Criteria: LabCorp Variant Classification Summary - May 2015. Collection method: clinical testing. Allele origin: germline.
Comment: Variant summary: MSH6 c.3514_3515insAA (p.Arg1172LysfsX13) results in a premature termination codon, predicted to cause a truncation of the encoded protein or absence of the protein due to nonsense mediated decay, which are commonly known mechanisms for disease. Truncations downstream of this position have been classified as pathogenic by our laboratory. The variant was absent in 251324 control chromosomes (gnomAD). To our knowledge, no occurrence of c.3514_3515insAA in individuals affected with Prostate Cancer and no experimental evidence demonstrating its impact on protein function have been reported. Two ClinVar submitters have assessed the variant since 2014: both classified the variant as pathogenic. Based on the evidence outlined above, the variant was classified as likely pathogenic.

Literature cited by the submitters: PubMed 18269114 (cited by Labcorp Genetics (formerly Invitae), Labcorp); PubMed 24362816 (cited by Labcorp Genetics (formerly Invitae), Labcorp).

NM_000179.3(MSH6):c.3514_3515insAA (p.Arg1172fs)

Gene: MSH6 (mutS homolog 6; plus strand). Cytogenetic location: 2p16.3.
Variant type: Insertion.
Coding change: c.3514_3515insAA on transcript NM_000179.3 (MANE Select); coding-DNA positions 3514 to 3515, AA inserted.
Protein change: p.Arg1172fs; shifts the reading frame from arginine 1172.
Molecular consequence: frameshift variant.
Genome position: GRCh38 VCF-style: chr2-47804984-T-TAA. GRCh37 (hg19) VCF-style: chr2-48032123-T-TAA.
Other names: c.3124_3125insAA, p.Arg1042fs (NM_001281492.2); c.2608_2609insAA, p.Arg870fs (NM_001281493.2, NM_001281494.2); short protein forms R1172fs, R870fs, R1042fs.
Identifiers: ClinVar variation 428320 (VCV000428320.17), dbSNP rs63751327, ClinGen allele CA645369306.
Genomic context (GRCh38, chr2:47,804,984, plus strand): 5'-TGTAATGGCCCAGATGGGTTGTTACGTCCCTGCTGAAGTGTGCAGGCTCACACCAATTGA[T>TAA]AGAGTGTTTACTAGACTTGGTGCCTCAGACAGAATAATGTCAGGTGAGTTTTTTGTTTCC-3'